The following is an entry in ClinVar:

ClinVar aggregate classification (germline): Pathogenic (1 of 4 stars; one submission).

Conditions:
Refsum disease, classic. Also called: PHYH-Related Refsum Disease; HEREDOPATHIA ATACTICA POLYNEURITIFORMIS; HMSN IV; PHYTANIC ACID OXIDASE DEFICIENCY. Identifiers: Orphanet 773, MedGen C5780941, MONDO:1060256, OMIM 266500. Disease mechanism: loss of function.

Submission:

Institute of Human Genetics, University of Leipzig Medical Center
Classification: Pathogenic for Refsum disease, classic. Last evaluated: 2024-09-17. Review status: criteria provided, single submitter. Criteria: ACMG Guidelines, 2015. Collection method: clinical testing. Allele origin: unknown. Inheritance: Autosomal recessive inheritance. Affected: yes.
Comment: Criteria applied: PVS1,PM2,PP4

NM_006214.4(PHYH):c.336del (p.Pro113fs)

Gene: PHYH (phytanoyl-CoA 2-hydroxylase; minus strand). Cytogenetic location: 10p13.
Variant type: Deletion.
Coding change: c.336del on transcript NM_006214.4 (MANE Select); coding-DNA position 336, one base deleted (T; older notation c.336delT).
Protein change: p.Pro113fs; shifts the reading frame from proline 113.
Molecular consequence: frameshift variant.
Genome position (GRCh38, 1-based): chr10:13,294,506, A deleted on the plus strand (T on the coding strand, the reverse complement: PHYH is on the minus strand). VCF-style (leftmost placement, unchanged base first): chr10-13294505-GA-G. GRCh37 (hg19) VCF-style: chr10-13336505-GA-G.
Other names: c.36del, p.Pro13fs (NM_001037537.2, NM_001323080.2, NM_001323084.2); c.336del, p.Pro113fs (NM_001323082.2, NM_001323083.2); short protein forms P113fs, P13fs.
Identifiers: ClinVar variation 3359073 (VCV003359073.2).